The following is an entry in ClinVar:

NM_000274.4(OAT):c.853C>T (p.Pro285Ser)

Gene: OAT (ornithine aminotransferase; minus strand). Cytogenetic location: 10q26.13.
Variant type: single nucleotide variant.
Coding change: c.853C>T on transcript NM_000274.4 (MANE Select); coding-DNA position 853, C replaced by T.
Protein change: p.Pro285Ser; replaces proline 285 with serine.
Molecular consequence: missense variant.
Genome position (GRCh38, 1-based): chr10:124,402,974, G>A on the plus strand (C>T on the coding strand, the complement: OAT is on the minus strand). VCF-style: chr10-124402974-G-A. GRCh37 (hg19) VCF-style: chr10-126091543-G-A.
Other names: c.439C>T, p.Pro147Ser (NM_001171814.2); c.853C>T, p.Pro285Ser (NM_001322965.2, NM_001322966.2, NM_001322967.2 and 3 more transcripts); c.532C>T, p.Pro178Ser (NM_001322971.2); c.253C>T, p.Pro85Ser (NM_001322974.2); short protein forms P178S, P285S, P147S, P85S.
Identifiers: ClinVar variation 1045709 (VCV001045709.6), dbSNP rs1295048098, ClinGen allele CA378635294.

ClinVar aggregate classification (germline): Uncertain significance (1 of 4 stars; one submission).

Conditions:
Ornithine aminotransferase deficiency (GACR). Also called: Ornithine ketoacid aminotransferase deficiency; Gyrate atrophy; Gyrate atrophy of choroid and retina; Girate atrophy of the retina; HYPERORNITHINEMIA WITH GYRATE ATROPHY OF CHOROID AND RETINA; OAT DEFICIENCY. Identifiers: Orphanet 414, MedGen C0018425, MONDO:0009796, OMIM 258870.

Allele frequency attached by ClinVar (database versions not stated): gnomAD 0.00001; TOPMed 0.00002.

Submission:

Labcorp Genetics (formerly Invitae), Labcorp
Classification: Uncertain significance for Ornithine aminotransferase deficiency. Last evaluated: 2021-08-20. Review status: criteria provided, single submitter. Criteria: Invitae Variant Classification Sherloc (09022015). Collection method: clinical testing. Allele origin: germline.
Comment: This sequence change replaces proline with serine at codon 285 of the OAT protein (p.Pro285Ser). The proline residue is highly conserved and there is a moderate physicochemical difference between proline and serine. This variant is not present in population databases (ExAC no frequency). This variant has not been reported in the literature in individuals affected with OAT-related conditions. Algorithms developed to predict the effect of missense changes on protein structure and function are either unavailable or do not agree on the potential impact of this missense change (SIFT: "Deleterious"; PolyPhen-2: "Probably Damaging"; Align-GVGD: "Class C0"). In summary, the available evidence is currently insufficient to determine the role of this variant in disease. Therefore, it has been classified as a Variant of Uncertain Significance.